The following is an entry in ClinVar:

ClinVar aggregate classification (germline): Uncertain significance (1 of 4 stars; one submission).

Conditions:
Malignant hyperthermia, susceptibility to, 1 (MHS1). Also called: RYR1-Related Malignant Hyperthermia Susceptibility; Malignant hyperthermia suceptibility 1; Anesthesia related hyperthermia; Malignant hyperpyrexia; Fulminating hyperpyrexia; Pharmacogenic myopathy. Identifiers: Orphanet 423, MedGen C2930980, MONDO:0007783, OMIM 145600.

Submission:

Color Diagnostics, LLC DBA Color Health
Classification: Uncertain significance for Malignant hyperthermia, susceptibility to, 1. Last evaluated: 2025-08-25. Review status: criteria provided, single submitter. Criteria: ACMG Guidelines, 2015. Collection method: clinical testing. Allele origin: germline.
Comment: This missense variant replaces histidine with leucine at codon 4754 of the RYR1 protein. Computational prediction suggests that this variant may not impact protein structure and function. To our knowledge, functional studies have not been reported for this variant. This variant has not been reported in individuals affected with RYR1-related disorders in the literature. This variant has not been identified in the general population by the Genome Aggregation Database (gnomAD). The available evidence is insufficient to determine the role of this variant in disease conclusively. Therefore, this variant is classified as a Variant of Uncertain Significance.

NM_000540.3(RYR1):c.14261A>T (p.His4754Leu)

Gene: RYR1 (ryanodine receptor 1; plus strand). Cytogenetic location: 19q13.2.
Variant type: single nucleotide variant.
Coding change: c.14261A>T on transcript NM_000540.3 (MANE Select); coding-DNA position 14261, A replaced by T.
Protein change: p.His4754Leu; replaces histidine 4754 with leucine.
Molecular consequence: missense variant.
Genome position (GRCh38, 1-based): chr19:38,578,006, A>T. VCF-style: chr19-38578006-A-T. GRCh37 (hg19) VCF-style: chr19-39068646-A-T.
Other names: c.14246A>T, p.His4749Leu (NM_001042723.2); short protein forms H4749L, H4754L.
Identifiers: ClinVar variation 4757798 (VCV004757798.1).